The following is an entry in ClinVar:

NM_001364905.1(LRBA):c.7036A>G (p.Ile2346Val)

Gene: LRBA (LPS responsive beige-like anchor protein; minus strand). Cytogenetic location: 4q31.3.
Variant type: single nucleotide variant.
Coding change: c.7036A>G on transcript NM_001364905.1 (MANE Select); coding-DNA position 7036, A replaced by G.
Protein change: p.Ile2346Val; replaces isoleucine 2346 with valine.
Molecular consequence: missense variant.
Genome position (GRCh38, 1-based): chr4:150,435,594, T>C on the plus strand (A>G on the coding strand, the complement: LRBA is on the minus strand). VCF-style: chr4-150435594-T-C. GRCh37 (hg19) VCF-style: chr4-151356746-T-C.
Other names: c.7036A>G, p.Ile2346Val (NM_001199282.3, NM_001367550.1); c.7069A>G, p.Ile2357Val (NM_006726.5); short protein forms I2346V, I2357V.
Identifiers: ClinVar variation 1513472 (VCV001513472.4), dbSNP rs199674409, ClinGen allele CA3101755.

ClinVar aggregate classification (germline): Uncertain significance (1 of 4 stars; one submission).

Conditions:
Combined immunodeficiency due to LRBA deficiency. Also called: Common variable immunodeficiency 8, with autoimmunity. Identifiers: Orphanet 445018, MedGen C3553512, MONDO:0013863, OMIM 614700.

Allele frequency attached by ClinVar (database versions not stated): ExAC 0.00001; gnomAD 0.00001; gnomAD exomes 0.00001; TOPMed 0.00001; 1000 Genomes Project 30x 0.00016; 1000 Genomes Project 0.00020.
gnomAD v4.1: 6 of 1,607,914 alleles (0.00037%); highest among the groups gnomAD compares: Admixed American, 0.0069%; no homozygotes.

Submission:

Labcorp Genetics (formerly Invitae), Labcorp
Classification: Uncertain significance for Combined immunodeficiency due to LRBA deficiency. Last evaluated: 2023-08-30. Review status: criteria provided, single submitter. Criteria: Invitae Variant Classification Sherloc (09022015). Collection method: clinical testing. Allele origin: germline.
Comment: In summary, the available evidence is currently insufficient to determine the role of this variant in disease. Therefore, it has been classified as a Variant of Uncertain Significance. Advanced modeling of protein sequence and biophysical properties (such as structural, functional, and spatial information, amino acid conservation, physicochemical variation, residue mobility, and thermodynamic stability) performed at Invitae indicates that this missense variant is not expected to disrupt LRBA protein function. ClinVar contains an entry for this variant (Variation ID: 1513472). This variant has not been reported in the literature in individuals affected with LRBA-related conditions. This variant is present in population databases (rs199674409, gnomAD 0.006%). This sequence change replaces isoleucine, which is neutral and non-polar, with valine, which is neutral and non-polar, at codon 2357 of the LRBA protein (p.Ile2357Val).